The following is an entry in ClinVar:

NM_130797.4(DPP6):c.763-6A>C

Gene: DPP6 (dipeptidyl peptidase like 6; plus strand). Cytogenetic location: 7q36.2.
Variant type: single nucleotide variant.
Coding change: c.763-6A>C on transcript NM_130797.4 (MANE Select); 6 bases into the intron before coding-DNA position 763, A replaced by C.
Molecular consequence: intron variant.
Genome position (GRCh38, 1-based): chr7:154,727,761, A>C. VCF-style: chr7-154727761-A-C. GRCh37 (hg19) VCF-style: chr7-154519471-A-C.
Other names: NC_000007.13:g.154519471A>C; c.580-6A>C (NM_001364500.2, NM_001364499.2, NM_001364497.2 and 1 more transcripts); c.571-6A>C (NM_001364501.2, NM_001039350.3); c.577-6A>C (NM_001936.5); c.442-6A>C (NM_001290252.2).
Identifiers: ClinVar variation 3389142 (VCV003389142.15).
Genomic context (GRCh38, chr7:154,727,761, plus strand): 5'-TTAAGAACAGCCTATTTATAACCACTTCCTTGCTTAATATTATGCTTTTTTCTCTTTCCA[A>C]ATTAGATATTTATTTTTGAAAACAATATCTACTACTGTGCACATGTCGGGAAACAGGCCA-3'

ClinVar aggregate classification (germline): Benign (1 of 4 stars; one submission).

gnomAD v4.1: 239 of 1,606,916 alleles (0.015%); highest among the groups gnomAD compares: African/African-American, 0.29%; 1 homozygote.

Submissions (2):

CeGaT Center for Human Genetics Tuebingen
Classification: Benign. Last evaluated: 2024-09-01. Review status: criteria provided, single submitter. Criteria: CeGaT Center For Human Genetics Tuebingen Variant Classification Criteria Version 2. Collection method: clinical testing. Allele origin: germline. Affected: yes. Observed: 1 variant allele.
Comment: DPP6: BP4, BS1, BS2

Dr. Peter K. Rogan Lab, Western University
No classification provided (evidence only). Condition: Lung cancer. Review status: no classification provided. Collection method: in vitro. Allele origin: not applicable. Functional consequence: retained intron. Not counted in ClinVar's aggregate classification.